The following is an entry in ClinVar:

NM_001135998.3(NDUFB11):c.283G>A (p.Val95Ile)

Gene: NDUFB11 (NADH:ubiquinone oxidoreductase subunit B11; minus strand). Cytogenetic location: Xp11.3.
Variant type: single nucleotide variant.
Coding change: c.283G>A on transcript NM_001135998.3 (MANE Select); coding-DNA position 283, G replaced by A.
Protein change: p.Val95Ile; replaces valine 95 with isoleucine.
Molecular consequence: missense variant.
Genome position (GRCh38, 1-based): chrX:47,142,669, C>T on the plus strand (G>A on the coding strand, the complement: NDUFB11 is on the minus strand). VCF-style: chrX-47142669-C-T. GRCh37 (hg19) VCF-style: chrX-47002068-C-T.
Other names: c.283G>A, p.Val95Ile (NM_019056.7); c.283G>A (NM_019056.5); short protein forms V95I.
Identifiers: ClinVar variation 734370 (VCV000734370.32), dbSNP rs782682185, ClinGen allele CA10394912.

ClinVar aggregate classification (germline): Benign/Likely benign. Review status: criteria provided, multiple submitters, no conflicts (2 of 4 stars). 3 submissions from 3 submitters: Benign (1); Likely benign (2). Last evaluated 2026-01-23.

Conditions:
Inborn genetic diseases. Identifiers: MedGen C0950123, MeSH D030342.

Allele frequency attached by ClinVar (database versions not stated): gnomAD 0.00001; TOPMed 0.00002; gnomAD exomes 0.00005 and 0.00017; ExAC 0.00007.
gnomAD v4.1: 183 of 1,210,249 alleles (0.015%); highest among the groups gnomAD compares: Middle Eastern, 0.046%; no homozygotes.

Submissions (3):

Labcorp Genetics (formerly Invitae), Labcorp
Classification: Benign. Last evaluated: 2026-01-23. Review status: criteria provided, single submitter. Criteria: Invitae Variant Classification Sherloc (09022015). Collection method: clinical testing. Allele origin: germline.

Ambry Genetics
Classification: Likely benign for Inborn genetic diseases. Last evaluated: 2023-05-30. Review status: criteria provided, single submitter. Criteria: Ambry Variant Classification Scheme 2023. Collection method: clinical testing. Allele origin: germline.

CeGaT Center for Human Genetics Tuebingen
Classification: Likely benign. Last evaluated: 2022-12-01. Review status: criteria provided, single submitter. Criteria: CeGaT Center For Human Genetics Tuebingen Variant Classification Criteria Version 2. Collection method: clinical testing. Allele origin: germline. Affected: yes. Observed: 1 variant allele.
Comment: NDUFB11: BP4, BS2